The following is an entry in ClinVar:

ClinVar aggregate classification (germline): Likely benign. Review status: criteria provided, multiple submitters, no conflicts (2 of 4 stars). 2 submissions from 2 submitters: Likely benign (2). Last evaluated 2026-03-01.

Conditions:
Epidermolysis bullosa simplex 3, localized or generalized intermediate, with BP230 deficiency (EBS3). Also called: Epidermolysis bullosa simplex, autosomal recessive 2; Epidermolysis bullosa simplex due to BP230 deficiency. Identifiers: Orphanet 412181, MedGen C3809470, MONDO:0014180, OMIM 615425.
Hereditary sensory and autonomic neuropathy type 6. Also called: HSAN VI; Neuropathy, hereditary sensory and autonomic, type VI. Identifiers: Orphanet 314381, MedGen C3539003, MONDO:0013839, OMIM 614653.

Allele frequency attached by ClinVar (database versions not stated): ExAC 0.00002; gnomAD exomes 0.00003 and 0.00004; gnomAD 0.00004 and 0.00005; TOPMed 0.00004.
gnomAD v4.1: 47 of 1,613,822 alleles (0.0029%); highest among the groups gnomAD compares: Middle Eastern, 0.016%; no homozygotes.

Submissions (2):

CeGaT Center for Human Genetics Tuebingen
Classification: Likely benign. Last evaluated: 2026-03-01. Review status: criteria provided, single submitter. Criteria: CeGaT Center For Human Genetics Tuebingen Variant Classification Criteria Version 2. Collection method: clinical testing. Allele origin: germline. Affected: yes. Observed: 2 variant alleles.
Comment: DST: BP4, BP7

Labcorp Genetics (formerly Invitae), Labcorp
Classification: Likely benign for Epidermolysis bullosa simplex 3, localized or generalized intermediate, with BP230 deficiency; Hereditary sensory and autonomic neuropathy type 6. Last evaluated: 2024-05-24. Review status: criteria provided, single submitter. Criteria: Invitae Variant Classification Sherloc (09022015). Collection method: clinical testing. Allele origin: germline.

NM_001374736.1(DST):c.3699T>C (p.Asp1233=)

Gene: DST (dystonin; minus strand). Cytogenetic location: 6p12.1.
Variant type: single nucleotide variant.
Coding change: c.3699T>C on transcript NM_001374736.1 (MANE Select); coding-DNA position 3699, T replaced by C.
Protein change: p.Asp1233=; no amino-acid change (aspartic acid 1233 retained).
Molecular consequence: synonymous variant.
Genome position (GRCh38, 1-based): chr6:56,632,960, A>G on the plus strand (T>C on the coding strand, the complement: DST is on the minus strand). VCF-style: chr6-56632960-A-G. GRCh37 (hg19) VCF-style: chr6-56497758-A-G.
Other names: c.3600T>C, p.Asp1200= (NM_001144769.5); c.3186T>C, p.Asp1062= (NM_001144770.2); c.3699T>C, p.Asp1233= (NM_001374722.1); c.3066T>C, p.Asp1022= (NM_001374729.1, NM_001374730.1, NM_001386100.1 and 1 more transcripts); c.3726T>C, p.Asp1242= (NM_001374734.1); c.2088T>C, p.Asp696= (NM_001723.7, NM_015548.5).
Identifiers: ClinVar variation 771963 (VCV000771963.34), dbSNP rs751682343, ClinGen allele CA3871090.
Genomic context (GRCh38, chr6:56,632,960, plus strand): 5'-ATTAACCTCCTTTTCCAGTTGTGTTATATCTGAGCCTGAAAAGACTTGGGATTCCTGGCT[A>G]TCTTCCAGAAAATCTTCAAAACGAGATTGTAGATTACTTAGAACTTGCTGATGTTCACCA-3'
Protein context (NP_001361665.1, residues 1223-1243): LQSRFEDFLE[Asp1233=]SQESQVFSGS